The following is an entry in ClinVar:

ClinVar aggregate classification (germline): Uncertain significance. Review status: criteria provided, multiple submitters, no conflicts (2 of 4 stars). 3 submissions from 3 submitters: Uncertain significance (2). 1 of the submissions does not count toward it. Last evaluated 2021-08-26.

Conditions:
Usher syndrome type 1F (USH1F). Also called: USHER SYNDROME, TYPE IF. Identifiers: Orphanet 231169, Orphanet 886, MedGen C1865885, MONDO:0011186, OMIM 602083.

Submissions (3):

Labcorp Genetics (formerly Invitae), Labcorp
Classification: Uncertain significance. Last evaluated: 2021-08-26. Review status: criteria provided, single submitter. Criteria: Invitae Variant Classification Sherloc (09022015). Collection method: clinical testing. Allele origin: germline.
Comment: This variant, c.4905_4907dup, results in the insertion of 1 amino acid(s) to the PCDH15 protein (p.Lys1636dup), but otherwise preserves the integrity of the reading frame. This variant is present in population databases (rs750133663, ExAC 0.02%). This variant has not been reported in the literature in individuals affected with PCDH15-related conditions. ClinVar contains an entry for this variant (Variation ID: 552588). Experimental studies and prediction algorithms are not available or were not evaluated, and the functional significance of this variant is currently unknown. In summary, the available evidence is currently insufficient to determine the role of this variant in disease. Therefore, it has been classified as a Variant of Uncertain Significance.

GeneDx
Classification: Uncertain significance. Last evaluated: 2021-06-25. Review status: criteria provided, single submitter. Criteria: GeneDx Variant Classification Process June 2021. Collection method: clinical testing. Allele origin: germline. Affected: yes.
Comment: In-frame insertion of one amino acids in a non-repeat region; Has not been previously published as pathogenic or benign to our knowledge; This variant is associated with the following publications: (PMID: 27535533)

Counsyl
Classification: Uncertain significance for Usher syndrome type 1F. Last evaluated: 2017-06-22. Review status: no assertion criteria provided. Collection method: clinical testing. Allele origin: unknown. Not counted in ClinVar's aggregate classification.

NM_033056.4(PCDH15):c.4905_4907dup (p.Lys1636_Glu1637insLys)

Gene: PCDH15 (protocadherin related 15; minus strand). Cytogenetic location: 10q21.1.
Variant type: Duplication.
Coding change: c.4905_4907dup on transcript NM_033056.4 (MANE Plus Clinical); coding-DNA positions 4905 to 4907, 3 bases duplicated (GAA; older notation c.4905_4907dupGAA).
Protein change: p.Lys1636_Glu1637insLys.
Molecular consequence: inframe insertion. On other transcripts: intron variant (8).
Genome position (GRCh38, 1-based): chr10:53,822,819-53,822,821, TTC duplicated on the plus strand (GAA on the coding strand, the reverse complement: PCDH15 is on the minus strand); duplicating any 3 consecutive bases within chr10:53,822,819-53,822,822 gives the same sequence; the c. name uses the placement nearest the transcript's 3' end. VCF-style (leftmost placement, unchanged base first): chr10-53822818-T-TTTC. GRCh37 (hg19) VCF-style: chr10-55582578-T-TTTC.
Other names: c.4368-2591_4368-2589dup (NM_001384140.1); c.4373+2315_4373+2317dup (NM_001142772.2, NM_001142770.3); c.4388+2315_4388+2317dup (NM_001142771.2); c.4905_4907dupGAA (NM_033056.3); c.4388+4572_4388+4574dup (NM_001354411.2); c.4409+2315_4409+2317dup (NM_001142769.3); c.4926_4928dup, p.Lys1643_Glu1644insLys (NM_001142763.2); c.4911_4913dup, p.Lys1638_Glu1639insLys (NM_001142764.2); and 7 more.
Identifiers: ClinVar variation 552588 (VCV000552588.6), dbSNP rs750133663, ClinGen allele CA5505166.